The following is an entry in ClinVar:

ClinVar aggregate classification (germline): Uncertain significance. Review status: criteria provided, multiple submitters, no conflicts (2 of 4 stars). 2 submissions from 2 submitters: Uncertain significance (2). Last evaluated 2025-06-18.

Conditions:
Achondrogenesis, type IA (ACG1A). Identifiers: Orphanet 932, Orphanet 93299, MedGen C0265273, MONDO:0008701, OMIM 200600.

Allele frequency attached by ClinVar (database versions not stated): TOPMed below 0.00001; gnomAD 0.00001; gnomAD exomes 0.00001.
gnomAD v4.1: 13 of 1,613,982 alleles (0.00081%); highest among the groups gnomAD compares: Non-Finnish European, 0.0011%; no homozygotes.

Submissions (2):

GeneDx
Classification: Uncertain significance. Last evaluated: 2025-06-18. Review status: criteria provided, single submitter. Criteria: GeneDx Variant Classification Process June 2021. Collection method: clinical testing. Allele origin: germline. Affected: yes.
Comment: Not observed at significant frequency in large population cohorts (gnomAD); In silico analysis supports that this missense variant has a deleterious effect on protein structure/function; Has not been previously published as pathogenic or benign to our knowledge

Labcorp Genetics (formerly Invitae), Labcorp
Classification: Uncertain significance for Achondrogenesis, type IA. Last evaluated: 2021-12-19. Review status: criteria provided, single submitter. Criteria: Invitae Variant Classification Sherloc (09022015). Collection method: clinical testing. Allele origin: germline.
Comment: In summary, the available evidence is currently insufficient to determine the role of this variant in disease. Therefore, it has been classified as a Variant of Uncertain Significance. Algorithms developed to predict the effect of missense changes on protein structure and function are either unavailable or do not agree on the potential impact of this missense change (SIFT: "Not Available"; PolyPhen-2: "Possibly Damaging"; Align-GVGD: "Not Available"). This variant has not been reported in the literature in individuals affected with TRIP11-related conditions. This variant is not present in population databases (gnomAD no frequency). This sequence change replaces lysine, which is basic and polar, with threonine, which is neutral and polar, at codon 1056 of the TRIP11 protein (p.Lys1056Thr).

NM_004239.4(TRIP11):c.3167A>C (p.Lys1056Thr)

Gene: TRIP11 (thyroid hormone receptor interactor 11; minus strand). Cytogenetic location: 14q32.12.
Variant type: single nucleotide variant.
Coding change: c.3167A>C on transcript NM_004239.4 (MANE Select); coding-DNA position 3167, A replaced by C.
Protein change: p.Lys1056Thr; replaces lysine 1056 with threonine.
Molecular consequence: missense variant.
Genome position (GRCh38, 1-based): chr14:92,004,809, T>G on the plus strand (A>C on the coding strand, the complement: TRIP11 is on the minus strand). VCF-style: chr14-92004809-T-G. GRCh37 (hg19) VCF-style: chr14-92471153-T-G.
Other names: c.3167A>C (NM_004239.3); c.3164A>C, p.Lys1055Thr (NM_001321851.1); short protein forms K1055T, K1056T.
Identifiers: ClinVar variation 2196639 (VCV002196639.5), dbSNP rs1469632949, ClinGen allele CA390653916.